The following is an entry in ClinVar:

NM_058216.3(RAD51C):c.307T>G (p.Phe103Val)

Gene: RAD51C (RAD51 paralog C; plus strand). Cytogenetic location: 17q22.
Variant type: single nucleotide variant.
Coding change: c.307T>G on transcript NM_058216.3 (MANE Select); coding-DNA position 307, T replaced by G.
Protein change: p.Phe103Val; replaces phenylalanine 103 with valine.
Molecular consequence: missense variant. On other transcripts: non-coding transcript variant (2).
Genome position (GRCh38, 1-based): chr17:58,695,092, T>G. VCF-style: chr17-58695092-T-G. GRCh37 (hg19) VCF-style: chr17-56772453-T-G.
Other names: c.307T>G, p.Phe103Val (NM_002876.4); short protein forms F103V.
Identifiers: ClinVar variation 427903 (VCV000427903.5), dbSNP rs1114167446, ClinGen allele CA400341077.

ClinVar aggregate classification (germline): Uncertain significance. Review status: criteria provided, single submitter (1 of 4 stars). 2 submissions from 2 submitters: Uncertain significance (1). 1 of the submissions does not count toward it. Last evaluated 2024-06-21.

Conditions:
Hereditary breast ovarian cancer syndrome. Also called: BRCA1- and BRCA2-Associated Hereditary Breast and Ovarian Cancer; Hereditary breast and/or ovarian cancer syndrome; Hereditary breast and ovarian cancer; Hereditary breast and ovarian cancer syndrome; Hereditary breast and ovarian cancer syndrome (HBOC); Breast and ovarian cancer. Identifiers: Orphanet 145, MedGen C0677776, MeSH D061325, MONDO:0003582. Disease mechanism: loss of function.
Fanconi anemia complementation group O. Also called: RAD51C-Related Fanconi Anemia. Identifiers: Orphanet 84, MedGen C3150653, MONDO:0013248, OMIM 613390.

Submissions (2):

Labcorp Genetics (formerly Invitae), Labcorp
Classification: Uncertain significance for Fanconi anemia complementation group O. Last evaluated: 2024-06-21. Review status: criteria provided, single submitter. Criteria: Invitae Variant Classification Sherloc (09022015). Collection method: clinical testing. Allele origin: germline.
Comment: This sequence change replaces phenylalanine, which is neutral and non-polar, with valine, which is neutral and non-polar, at codon 103 of the RAD51C protein (p.Phe103Val). This variant is not present in population databases (gnomAD no frequency). This missense change has been observed in individual(s) with breast cancer (PMID: 29409816). ClinVar contains an entry for this variant (Variation ID: 427903). Advanced modeling of protein sequence and biophysical properties (such as structural, functional, and spatial information, amino acid conservation, physicochemical variation, residue mobility, and thermodynamic stability) performed at Invitae indicates that this missense variant is expected to disrupt RAD51C protein function with a positive predictive value of 80%. In summary, the available evidence is currently insufficient to determine the role of this variant in disease. Therefore, it has been classified as a Variant of Uncertain Significance.

Genomics Laboratory, Virgen de la Arrixaca University Clinical Hospital
Classification: Uncertain significance for Hereditary breast ovarian cancer syndrome. Last evaluated: 2017-06-13. Review status: no assertion criteria provided. Collection method: clinical testing. Allele origin: germline. Inheritance: Autosomal dominant inheritance. Affected: yes. Observed: 1 variant allele, 1 heterozygote. Not counted in ClinVar's aggregate classification.
Comment: In the protein, it causes the change of phenylanine to valine in codon 103. This amino acid is located in the ATPase domain of the protein, which is highly conserved on the evolutionary scale. The results of the in silico studies show discrepancies regarding the pathogenicity of the variant (Mutation Taster: causing disease, SIFT: Tolerated, PolyPhen-2, likely pathogenic, A-GVGD: Class C45). The variant c.307T>G was detected in a bilateral Breast Cancer family and in a healthy control in heterozygosis (MAF: 0.003).

Literature cited by the submitters: PubMed 29409816 (cited by Labcorp Genetics (formerly Invitae), Labcorp).